The following is an entry in ClinVar:

NM_007227.3(GPR45):c.136G>A (p.Val46Met)

Gene: GPR45 (G protein-coupled receptor 45; plus strand). Cytogenetic location: 2q12.1.
Variant type: single nucleotide variant.
Coding change: c.136G>A on transcript NM_007227.3 (MANE Select); coding-DNA position 136, G replaced by A.
Protein change: p.Val46Met; replaces valine 46 with methionine.
Molecular consequence: missense variant.
Genome position (GRCh38, 1-based): chr2:105,241,994, G>A. VCF-style: chr2-105241994-G-A. GRCh37 (hg19) VCF-style: chr2-105858451-G-A.
Other names: short protein forms V46M.
Identifiers: ClinVar variation 2999342 (VCV002999342.3), dbSNP rs768136880, ClinGen allele CA1813525.

ClinVar aggregate classification (germline): Uncertain significance (1 of 4 stars; one submission).

Allele frequency attached by ClinVar (database versions not stated): TOPMed below 0.00001; gnomAD exomes 0.00001; ExAC 0.00002.
gnomAD v4.1: 10 of 1,613,776 alleles (0.00062%); highest among the groups gnomAD compares: African/African-American, 0.0013%; no homozygotes.

Submission:

Labcorp Genetics (formerly Invitae), Labcorp
Classification: Uncertain significance. Last evaluated: 2023-07-26. Review status: criteria provided, single submitter. Criteria: Invitae Variant Classification Sherloc (09022015). Collection method: clinical testing. Allele origin: germline.
Comment: This sequence change replaces valine, which is neutral and non-polar, with methionine, which is neutral and non-polar, at codon 46 of the GPR45 protein (p.Val46Met). This variant is present in population databases (rs768136880, gnomAD 0.002%). This variant has not been reported in the literature in individuals affected with GPR45-related conditions. An algorithm developed to predict the effect of missense changes on protein structure and function (PolyPhen-2) suggests that this variant is likely to be tolerated. In summary, the available evidence is currently insufficient to determine the role of this variant in disease. Therefore, it has been classified as a Variant of Uncertain Significance.